The following is an entry in ClinVar:

ClinVar aggregate classification (germline): Pathogenic (1 of 4 stars; one submission).

Conditions:
Primary ciliary dyskinesia. Also called: Ciliary dyskinesia. Identifiers: Orphanet 244, MedGen C0008780, MONDO:0016575, HP:0012265.

Submission:

Labcorp Genetics (formerly Invitae), Labcorp
Classification: Pathogenic for Primary ciliary dyskinesia. Last evaluated: 2023-09-05. Review status: criteria provided, single submitter. Criteria: Invitae Variant Classification Sherloc (09022015). Collection method: clinical testing. Allele origin: germline.
Comment: This sequence change creates a premature translational stop signal (p.Trp1496*) in the DNAH5 gene. It is expected to result in an absent or disrupted protein product. Loss-of-function variants in DNAH5 are known to be pathogenic (PMID: 11788826, 16627867). This variant is not present in population databases (gnomAD no frequency). This variant has not been reported in the literature in individuals affected with DNAH5-related conditions. For these reasons, this variant has been classified as Pathogenic.

Literature cited by the submitters: PubMed 11788826; PubMed 16627867.

NM_001369.3(DNAH5):c.4488G>A (p.Trp1496Ter)

Genes: DNAH5 (dynein axonemal heavy chain 5; minus strand), DNAH5-AS1 (DNAH5 antisense RNA 1; plus strand). Cytogenetic location: 5p15.2.
Variant type: single nucleotide variant.
Coding change: c.4488G>A on transcript NM_001369.3 (MANE Select); coding-DNA position 4488, G replaced by A.
Protein change: p.Trp1496Ter; replaces tryptophan 1496 with a stop codon.
Molecular consequence: nonsense.
Genome position (GRCh38, 1-based): chr5:13,864,505, C>T on the plus strand (G>A on the coding strand, the complement: DNAH5 is on the minus strand). VCF-style: chr5-13864505-C-T. GRCh37 (hg19) VCF-style: chr5-13864614-C-T.
Other names: short protein forms W1496*.
Identifiers: ClinVar variation 2757587 (VCV002757587.3), dbSNP rs2546978701, ClinGen allele CA359224064.